The following is an entry in ClinVar:

NM_006431.3(CCT2):c.1595A>G (p.His532Arg)

Gene: CCT2 (chaperonin containing TCP1 subunit 2; plus strand). Cytogenetic location: 12q15.
Variant type: single nucleotide variant.
Coding change: c.1595A>G on transcript NM_006431.3 (MANE Select); coding-DNA position 1595, A replaced by G.
Protein change: p.His532Arg; replaces histidine 532 with arginine.
Molecular consequence: missense variant.
Genome position (GRCh38, 1-based): chr12:69,601,312, A>G. VCF-style: chr12-69601312-A-G. GRCh37 (hg19) VCF-style: chr12-69995092-A-G.
Other names: c.1454A>G, p.His485Arg (NM_001198842.2); short protein forms H485R, H532R.
Identifiers: ClinVar variation 1424561 (VCV001424561.6), dbSNP rs2135862937, ClinGen allele CA385732487.

ClinVar aggregate classification (germline): Uncertain significance (1 of 4 stars; one submission).

Submission:

Labcorp Genetics (formerly Invitae), Labcorp
Classification: Uncertain significance. Last evaluated: 2021-11-09. Review status: criteria provided, single submitter. Criteria: Invitae Variant Classification Sherloc (09022015). Collection method: clinical testing. Allele origin: germline.
Comment: This variant is not present in population databases (gnomAD no frequency). This sequence change replaces histidine, which is basic and polar, with arginine, which is basic and polar, at codon 532 of the CCT2 protein (p.His532Arg). This variant has not been reported in the literature in individuals affected with CCT2-related conditions. Algorithms developed to predict the effect of missense changes on protein structure and function (SIFT, PolyPhen-2, Align-GVGD) all suggest that this variant is likely to be tolerated. In summary, the available evidence is currently insufficient to determine the role of this variant in disease. Therefore, it has been classified as a Variant of Uncertain Significance.